The following is an entry in ClinVar:

ClinVar aggregate classification (germline): Uncertain significance (1 of 4 stars; one submission).

Conditions:
Developmental and epileptic encephalopathy 94 (DEE94). Also called: CHD2-Related Neurodevelopmental Disorders; Epileptic encephalopathy, childhood-onset. Identifiers: Orphanet 1942, Orphanet 2382, MedGen C3809278, MONDO:0014150, OMIM 615369.

Submission:

Labcorp Genetics (formerly Invitae), Labcorp
Classification: Uncertain significance for Developmental and epileptic encephalopathy 94. Last evaluated: 2024-10-24. Review status: criteria provided, single submitter. Criteria: Invitae Variant Classification Sherloc (09022015). Collection method: clinical testing. Allele origin: germline.
Comment: This sequence change replaces threonine, which is neutral and polar, with isoleucine, which is neutral and non-polar, at codon 1286 of the CHD2 protein (p.Thr1286Ile). This variant is not present in population databases (gnomAD no frequency). This variant has not been reported in the literature in individuals affected with CHD2-related conditions. Invitae Evidence Modeling of protein sequence and biophysical properties (such as structural, functional, and spatial information, amino acid conservation, physicochemical variation, residue mobility, and thermodynamic stability) indicates that this missense variant is not expected to disrupt CHD2 protein function with a negative predictive value of 95%. In summary, the available evidence is currently insufficient to determine the role of this variant in disease. Therefore, it has been classified as a Variant of Uncertain Significance.

NM_001271.4(CHD2):c.3857C>T (p.Thr1286Ile)

Gene: CHD2 (chromodomain helicase DNA binding protein 2; plus strand). Cytogenetic location: 15q26.1.
Variant type: single nucleotide variant.
Coding change: c.3857C>T on transcript NM_001271.4 (MANE Select); coding-DNA position 3857, C replaced by T.
Protein change: p.Thr1286Ile; replaces threonine 1286 with isoleucine.
Molecular consequence: missense variant.
Genome position (GRCh38, 1-based): chr15:92,997,375, C>T. VCF-style: chr15-92997375-C-T. GRCh37 (hg19) VCF-style: chr15-93540605-C-T.
Other names: short protein forms T1286I.
Identifiers: ClinVar variation 2810601 (VCV002810601.3), dbSNP rs2505590920, ClinGen allele CA393898737.
Genomic context (GRCh38, chr15:92,997,375, plus strand): 5'-ATTCTCGCCTGTTGCTGGGGATTTATGAACATGGCTATGGAAACTGGGAGTTAATTAAAA[C>T]AGACCCAGAGCTTAAATTAACTGACAAAGTAAGTAACCCTACCATGCTAGAGATTTCTAG-3'
Protein context (NP_001262.3, residues 1276-1296): HGYGNWELIK[Thr1286Ile]DPELKLTDKI